The following is an entry in ClinVar:

ClinVar aggregate classification (germline): Uncertain significance (1 of 4 stars; one submission).

Conditions:
Idiopathic generalized epilepsy. Also called: EIG; Generalised epilepsy. Identifiers: MedGen C0270850, MONDO:0005579, OMIM 600669.
Hyperaldosteronism, familial, type IV (HALD4). Also called: FH IV; ALDOSTERONISM, PRIMARY, AND HYPERTENSION. Identifiers: Orphanet 642671, MedGen C4310756, MONDO:0014875, OMIM 617027.

gnomAD v4.1: 1 of 1,611,702 alleles (0.000062%); highest among the groups gnomAD compares: South Asian, 0.0011%; no homozygotes.

Submission:

Labcorp Genetics (formerly Invitae), Labcorp
Classification: Uncertain significance for Idiopathic generalized epilepsy; Hyperaldosteronism, familial, type IV. Last evaluated: 2025-06-22. Review status: criteria provided, single submitter. Criteria: Invitae Variant Classification Sherloc (09022015). Collection method: clinical testing. Allele origin: germline.
Comment: This sequence change replaces arginine, which is basic and polar, with serine, which is neutral and polar, at codon 739 of the CACNA1H protein (p.Arg739Ser). This variant is not present in population databases (gnomAD no frequency). This variant has not been reported in the literature in individuals affected with CACNA1H-related conditions. Invitae Evidence Modeling of protein sequence and biophysical properties (such as structural, functional, and spatial information, amino acid conservation, physicochemical variation, residue mobility, and thermodynamic stability) indicates that this missense variant is not expected to disrupt CACNA1H protein function with a negative predictive value of 80%. In summary, the available evidence is currently insufficient to determine the role of this variant in disease. Therefore, it has been classified as a Variant of Uncertain Significance.

NM_021098.3(CACNA1H):c.2215C>A (p.Arg739Ser)

Gene: CACNA1H (calcium voltage-gated channel subunit alpha1 H; plus strand). Cytogenetic location: 16p13.3.
Variant type: single nucleotide variant.
Coding change: c.2215C>A on transcript NM_021098.3 (MANE Select); coding-DNA position 2215, C replaced by A.
Protein change: p.Arg739Ser; replaces arginine 739 with serine.
Molecular consequence: missense variant.
Genome position (GRCh38, 1-based): chr16:1,204,222, C>A. VCF-style: chr16-1204222-C-A. GRCh37 (hg19) VCF-style: chr16-1254222-C-A.
Other names: c.2215C>A, p.Arg739Ser (NM_001005407.2); short protein forms R739S.
Identifiers: ClinVar variation 4794037 (VCV004794037.1).